The following is an entry in ClinVar:

NM_000545.8(HNF1A):c.56C>T (p.Ser19Leu)

Gene: HNF1A (HNF1 homeobox A; plus strand). Cytogenetic location: 12q24.31.
Variant type: single nucleotide variant.
Coding change: c.56C>T on transcript NM_000545.8 (MANE Select); coding-DNA position 56, C replaced by T.
Protein change: p.Ser19Leu; replaces serine 19 with leucine.
Molecular consequence: missense variant.
Genome position (GRCh38, 1-based): chr12:120,978,824, C>T. VCF-style: chr12-120978824-C-T. GRCh37 (hg19) VCF-style: chr12-121416627-C-T.
Other names: NM_000545.8(HNF1A):c.56C>T; p.Ser19Leu; c.56C>T, p.Ser19Leu (NM_001306179.2); short protein forms S19L.
Identifiers: ClinVar variation 918071 (VCV000918071.7), dbSNP rs1876084584, ClinGen allele CA386952569.

ClinVar aggregate classification (germline): Uncertain significance. Review status: reviewed by expert panel (3 of 4 stars). 4 submissions from 4 submitters: Uncertain significance (1). 3 of the submissions do not count toward it. Last evaluated 2025-11-26.

Conditions:
HNF1A-related disorder. Also called: HNF1A-related condition.
Monogenic diabetes. Identifiers: Orphanet 183625, MedGen C3888631, MONDO:0015967.
Maturity-onset diabetes of the young (MODY). Also called: Maturity onset diabetes mellitus in young. Identifiers: Orphanet 552, MedGen C0342276, MONDO:0018911, HP:0004904.
Diabetes mellitus. Also called: Diabetes mellitus (disease). Identifiers: MedGen C0011849, MONDO:0005015, HP:0000819.

Submissions (4):

ClinGen Monogenic Diabetes Variant Curation Expert Panel
Classification: Uncertain significance for Monogenic diabetes. Last evaluated: 2025-11-26. Review status: reviewed by expert panel. Criteria: ClinGen Diabetes ACMG Specifications HNF1A V3.1.0. Collection method: curation. Allele origin: germline. Inheritance: Autosomal dominant inheritance.
Comment: The c.56C>T variant in the HNF1 homeobox A gene, HNF1A, causes an amino acid change of serine to leucine at codon 19 (p.(Ser19Leu)) of NM_000545.8. This variant is located within the dimerization domain (codons 1-32) of HNF1A, which is defined as critical for the protein’s function by the ClinGen MDEP (PM1_Supporting) and is absent from gnomAD v4.1.0 (PM2_Supporting). Additionally, this variant is predicted to be deleterious by computational evidence, with a REVEL score of 0.875, which is greater than the MDEP VCEP threshold of 0.70 (PP3). This variant was identified in two unrelated individuals with non-autoimmune and non-absolute/near-absolute insulin-deficient diabetes; however, PS4_Moderate cannot be applied because this number is below the ClinGen MDEP threshold (PMID: 33538814, 34789499/36257325). This variant was identified as a de novo occurrence with unconfirmed parental relationships in an individual with diabetes, but whose clinical picture is not highly specific for HNF1A-MODY (MODY probability calculator result <50%/HNF4A not tested) (PS2_Supporting; internal lab contributors). This variant segregated with diabetes with three informative meioses in a single family (PP1; PMID: 33538814, ClinVar: SCV001250623.1). Another missense variant, c.55T>G (p.Ser19Ala), has been classified as a VUS by the ClinGen MDEP; therefore, PM5 will not be applied. In summary, c.56C>T meets the criteria to be classified as a variant of uncertain significance for monogenic diabetes. ACMG/AMP criteria applied, as specified by the ClinGen MDEP (specification version 3.1.0, approved 10/10/2025): PM1_Supporting, PM2_Supporting, PP3, PS2_Supporting, PP1.

3billion
Classification: Uncertain significance for HNF1A-related disorder. Last evaluated: 2025-02-26. Review status: criteria provided, single submitter. Criteria: ACMG Guidelines, 2015. Collection method: clinical testing. Allele origin: germline. Affected: yes. Not counted in ClinVar's aggregate classification.
Comment: The variant is not observed in the gnomAD v4.1.0 dataset. Predicted Consequence/Location: The variant is located in a mutational hot spot and/or well-established functional domain in which established pathogenic variants have been reported (PMID: 18003757). In silico tool predictions suggest damaging effect of the variant on gene or gene product [REVEL: 0.88 (>=0.6, sensitivity 0.68 and specificity 0.92); 3Cnet: 0.98 (> 0.75, sensitivity 0.96 and precision 0.92)]. A different missense change at the same codon (p.Ser19Ala) has been reported to be associated with HNF1A-related disorder (ClinVar ID: VCV000418252). Therefore, this variant is classified as VUS according to the recommendation of ACMG/AMP guideline.

Clinical Genomics, Uppaluri K&H Personalized Medicine Clinic
Classification: Likely risk allele for Maturity-onset diabetes of the young. Review status: criteria provided, single submitter. Criteria: K & H Uppaluri Personalized Medicine Clinic Variant Classification & Assertion Criteria_Updated V.1. Collection method: research. Allele origin: unknown. Inheritance: Autosomal dominant inheritance. Not counted in ClinVar's aggregate classification.
Comment: Mutations in HNF1A gene can predispose to MODY3. It is associated with both micro and macrovascular complications of diabetes, especially cardiovascular complications. Associated with glucosuria. May respond well to sulfonylureas. However, more evidence is required to confer the association of this particular variant rs1876084584 with MODY3.

Constantin Polychronakos Laboratory, The Research Institute of the McGill University Health Centre
Classification: Uncertain significance for Diabetes mellitus. Review status: no assertion criteria provided. Collection method: research. Allele origin: paternal, germline. Inheritance: Autosomal dominant inheritance. Affected: yes. Not counted in ClinVar's aggregate classification.

Literature cited by the submitters: PubMed 33538814 (cited by ClinGen Monogenic Diabetes Variant Curation Expert Panel); PubMed 34789499 (cited by ClinGen Monogenic Diabetes Variant Curation Expert Panel); PubMed 36257325 (cited by ClinGen Monogenic Diabetes Variant Curation Expert Panel); PubMed 31517624 (cited by Clinical Genomics, Uppaluri K&H Personalized Medicine Clinic); PubMed 32395877 (cited by Clinical Genomics, Uppaluri K&H Personalized Medicine Clinic); PubMed 35328643 (cited by Clinical Genomics, Uppaluri K&H Personalized Medicine Clinic); PubMed 35673428 (cited by Clinical Genomics, Uppaluri K&H Personalized Medicine Clinic).